The following is an entry in ClinVar:

NM_018341.3(ERMARD):c.428T>G (p.Leu143Arg)

Gene: ERMARD (ER membrane associated RNA degradation; plus strand). Cytogenetic location: 6q27.
Variant type: single nucleotide variant.
Coding change: c.428T>G on transcript NM_018341.3 (MANE Select); coding-DNA position 428, T replaced by G.
Protein change: p.Leu143Arg; replaces leucine 143 with arginine.
Molecular consequence: missense variant.
Genome position (GRCh38, 1-based): chr6:169,756,729, T>G. VCF-style: chr6-169756729-T-G. GRCh37 (hg19) VCF-style: chr6-170156825-T-G.
Other names: c.428T>G, p.Leu143Arg (NM_001278531.2, NM_001278533.2); c.50T>G, p.Leu17Arg (NM_001278532.2, NM_001410957.1); short protein forms L17R, L143R.
Identifiers: ClinVar variation 2979783 (VCV002979783.3), dbSNP rs2537416896, ClinGen allele CA366497793.

ClinVar aggregate classification (germline): Uncertain significance (1 of 4 stars; one submission).

gnomAD v4.1: 5 of 1,613,992 alleles (0.00031%); highest among the groups gnomAD compares: Non-Finnish European, 0.00042%; no homozygotes.

Submission:

Labcorp Genetics (formerly Invitae), Labcorp
Classification: Uncertain significance. Last evaluated: 2024-01-12. Review status: criteria provided, single submitter. Criteria: Invitae Variant Classification Sherloc (09022015). Collection method: clinical testing. Allele origin: germline.
Comment: This sequence change replaces leucine, which is neutral and non-polar, with arginine, which is basic and polar, at codon 143 of the ERMARD protein (p.Leu143Arg). This variant is not present in population databases (gnomAD no frequency). This variant has not been reported in the literature in individuals affected with ERMARD-related conditions. Advanced modeling of protein sequence and biophysical properties (such as structural, functional, and spatial information, amino acid conservation, physicochemical variation, residue mobility, and thermodynamic stability) performed at Invitae indicates that this missense variant is expected to disrupt ERMARD protein function with a positive predictive value of 80%. In summary, the available evidence is currently insufficient to determine the role of this variant in disease. Therefore, it has been classified as a Variant of Uncertain Significance.